The following is an entry in ClinVar:

NM_138694.4(PKHD1):c.1946C>T (p.Thr649Met)

Gene: PKHD1 (PKHD1 ciliary IPT domain containing fibrocystin/polyductin; minus strand). Cytogenetic location: 6p12.2.
Variant type: single nucleotide variant.
Coding change: c.1946C>T on transcript NM_138694.4 (MANE Select); coding-DNA position 1946, C replaced by T.
Protein change: p.Thr649Met; replaces threonine 649 with methionine.
Molecular consequence: missense variant.
Genome position (GRCh38, 1-based): chr6:52,054,056, G>A on the plus strand (C>T on the coding strand, the complement: PKHD1 is on the minus strand). VCF-style: chr6-52054056-G-A. GRCh37 (hg19) VCF-style: chr6-51918854-G-A.
Other names: c.1946C>T (NM_138694.3); c.1946C>T, p.Thr649Met (NM_170724.3); short protein forms T649M.
Identifiers: ClinVar variation 1982003 (VCV001982003.3), dbSNP rs1282234911, ClinGen allele CA364422607.

ClinVar aggregate classification (germline): Uncertain significance. Review status: criteria provided, multiple submitters, no conflicts (2 of 4 stars). 3 submissions from 3 submitters: Uncertain significance (3). Last evaluated 2026-02-12.

Conditions:
PKHD1-related disorder. Also called: PKHD1-related condition.
Polycystic kidney disease 4 (PKD4). Also called: POLYCYSTIC KIDNEY AND HEPATIC DISEASE 1; POLYCYSTIC KIDNEY DISEASE, INFANTILE, TYPE I; POLYCYSTIC KIDNEY DISEASE 4 WITH OR WITHOUT POLYCYSTIC LIVER DISEASE; PKD3; Autosomal Recessive Polycystic Kidney Disease – PKHD1. Identifiers: MedGen C4540575, MONDO:0033004, OMIM 263200.
Autosomal recessive polycystic kidney disease (ARPKD). Also called: AR polycystic kidney disease. Identifiers: Orphanet 731, Orphanet 8378, MedGen C0085548, MeSH D017044, MONDO:0009889.

Allele frequency attached by ClinVar (database versions not stated): gnomAD 0.00001; TOPMed 0.00001.
gnomAD v4.1: 16 of 1,613,670 alleles (0.00099%); highest among the groups gnomAD compares: South Asian, 0.0033%; no homozygotes.

Submissions (3):

PreventionGenetics, part of Exact Sciences
Classification: Uncertain significance for PKHD1-related condition. Last evaluated: 2026-02-12. Review status: criteria provided, single submitter. Criteria: ACMG Guidelines, 2015. Collection method: clinical testing. Allele origin: germline.
Comment: The PKHD1 c.1946C>T variant is predicted to result in the amino acid substitution p.Thr649Met. To our knowledge, this variant has not been reported in the literature. This variant is reported in 0.0028% of alleles in individuals of Latino descent in gnomAD. At this time, the clinical significance of this variant is uncertain due to the absence of conclusive functional and genetic evidence.

Fulgent Genetics
Classification: Uncertain significance for Polycystic kidney disease 4. Last evaluated: 2024-06-19. Review status: criteria provided, single submitter. Criteria: ACMG Guidelines, 2015. Collection method: clinical testing. Allele origin: germline.

Labcorp Genetics (formerly Invitae), Labcorp
Classification: Uncertain significance for Autosomal recessive polycystic kidney disease. Last evaluated: 2021-08-30. Review status: criteria provided, single submitter. Criteria: Invitae Variant Classification Sherloc (09022015). Collection method: clinical testing. Allele origin: germline.
Comment: This sequence change replaces threonine with methionine at codon 649 of the PKHD1 protein (p.Thr649Met). The threonine residue is weakly conserved and there is a moderate physicochemical difference between threonine and methionine. This variant is not present in population databases (ExAC no frequency). This variant has not been reported in the literature in individuals affected with PKHD1-related conditions. Algorithms developed to predict the effect of missense changes on protein structure and function output the following: SIFT: "Tolerated"; PolyPhen-2: "Benign"; Align-GVGD: "Class C0". The methionine amino acid residue is found in multiple mammalian species, which suggests that this missense change does not adversely affect protein function. In summary, the available evidence is currently insufficient to determine the role of this variant in disease. Therefore, it has been classified as a Variant of Uncertain Significance.